The following is an entry in ClinVar:

ClinVar aggregate classification (germline): Uncertain significance. Review status: criteria provided, multiple submitters, no conflicts (2 of 4 stars). 2 submissions from 2 submitters: Uncertain significance (2). Last evaluated 2024-10-02.

Allele frequency attached by ClinVar (database versions not stated): gnomAD exomes 0.00001; gnomAD 0.00004; TOPMed 0.00005; ExAC 0.00007; 1000 Genomes Project 0.00020; 1000 Genomes Project 30x 0.00031.
gnomAD v4.1: 20 of 1,614,202 alleles (0.0012%); highest among the groups gnomAD compares: East Asian, 0.036%; no homozygotes.

Submissions (2):

Labcorp Genetics (formerly Invitae), Labcorp
Classification: Uncertain significance. Last evaluated: 2024-10-02. Review status: criteria provided, single submitter. Criteria: Invitae Variant Classification Sherloc (09022015). Collection method: clinical testing. Allele origin: germline.
Comment: This sequence change replaces glutamic acid, which is acidic and polar, with valine, which is neutral and non-polar, at codon 953 of the NIN protein (p.Glu953Val). This variant is present in population databases (rs188275661, gnomAD 0.06%), and has an allele count higher than expected for a pathogenic variant. This variant has not been reported in the literature in individuals affected with NIN-related conditions. ClinVar contains an entry for this variant (Variation ID: 2226171). An algorithm developed to predict the effect of missense changes on protein structure and function (PolyPhen-2) suggests that this variant is likely to be tolerated. In summary, the available evidence is currently insufficient to determine the role of this variant in disease. Therefore, it has been classified as a Variant of Uncertain Significance.

Ambry Genetics
Classification: Uncertain significance. Last evaluated: 2021-10-22. Review status: criteria provided, single submitter. Criteria: Ambry Variant Classification Scheme 2023. Collection method: clinical testing. Allele origin: germline.

NM_020921.4(NIN):c.2858A>T (p.Glu953Val)

Gene: NIN (ninein; minus strand). Cytogenetic location: 14q22.1.
Variant type: single nucleotide variant.
Coding change: c.2858A>T on transcript NM_020921.4 (MANE Select); coding-DNA position 2858, A replaced by T.
Protein change: p.Glu953Val; replaces glutamic acid 953 with valine.
Molecular consequence: missense variant. On other transcripts: intron variant (1).
Genome position (GRCh38, 1-based): chr14:50,758,172, T>A on the plus strand (A>T on the coding strand, the complement: NIN is on the minus strand). VCF-style: chr14-50758172-T-A. GRCh37 (hg19) VCF-style: chr14-51224890-T-A.
Other names: c.2858A>T, p.Glu953Val (NM_182944.3, NM_182946.2); c.2399+1685A>T (NM_016350.5); short protein forms E953V.
Identifiers: ClinVar variation 2226171 (VCV002226171.5), dbSNP rs188275661, ClinGen allele CA7181850.
Genomic context (GRCh38, chr14:50,758,172, plus strand): 5'-TCTAGTCTTTCCAGCCGCTGGCTGGCCAGCTGCTCCGAAGCCCCTGCCTGGCACAGGACC[T>A]CCTCACGCTCCCTCAGTTCCCTTTTGTGACTGCTCTTCAGCTCAAGTATCTGGTCAGACA-3'
Protein context (NP_065972.4, residues 943-963): SHKRELRERE[Glu953Val]VLCQAGASEQ